The following is an entry in ClinVar:

NM_000038.6(APC):c.3737C>A (p.Ala1246Asp)

Gene: APC (APC regulator of Wnt signaling pathway; plus strand). Cytogenetic location: 5q22.2.
Variant type: single nucleotide variant.
Coding change: c.3737C>A on transcript NM_000038.6 (MANE Select); coding-DNA position 3737, C replaced by A.
Protein change: p.Ala1246Asp; replaces alanine 1246 with aspartic acid.
Molecular consequence: missense variant. On other transcripts: non-coding transcript variant (2).
Genome position (GRCh38, 1-based): chr5:112,839,331, C>A. VCF-style: chr5-112839331-C-A. GRCh37 (hg19) VCF-style: chr5-112175028-C-A.
Other names: c.3737C>A, p.Ala1246Asp (NM_001127510.3, NM_001354895.2, NM_001407450.1); c.3683C>A, p.Ala1228Asp (NM_001127511.3); c.3791C>A, p.Ala1264Asp (NM_001354896.2, NM_001407447.1, NM_001407448.1 and 1 more transcripts); c.3767C>A, p.Ala1256Asp (NM_001354897.2); c.3662C>A, p.Ala1221Asp (NM_001354898.2); c.3653C>A, p.Ala1218Asp (NM_001354899.2); c.3614C>A, p.Ala1205Asp (NM_001354900.2); c.3560C>A, p.Ala1187Asp (NM_001354901.2, NM_001407453.1); and 11 more; short protein forms A1086D, A1117D, A1120D, A1145D, A1155D, A1163D, A1187D, A1205D.
Identifiers: ClinVar variation 4801475 (VCV004801475.1).
Genomic context (GRCh38, chr5:112,839,331, plus strand): 5'-AGAGGCAGAATCAGCTCCATCCAAGTTCTGCACAGAGTAGAAGTGGTCAGCCTCAAAAGG[C>A]TGCCACTTGCAAAGTTTCTTCTATTAACCAAGAAACAATACAGACTTATTGTGTAGAAGA-3'
Protein context (NP_000029.2, residues 1236-1256): AQSRSGQPQK[Ala1246Asp]ATCKVSSINQ

ClinVar aggregate classification (germline): Uncertain significance (1 of 4 stars; one submission).

Conditions:
Familial adenomatous polyposis 1 (FAP1). Also called: FAMILIAL ADENOMATOUS POLYPOSIS 1, ATTENUATED; POLYPOSIS, ADENOMATOUS INTESTINAL. Identifiers: MedGen C2713442, MONDO:0021056, OMIM 175100. Disease mechanism: loss of function.

Submission:

Labcorp Genetics (formerly Invitae), Labcorp
Classification: Uncertain significance for Familial adenomatous polyposis 1. Last evaluated: 2025-11-11. Review status: criteria provided, single submitter. Criteria: Invitae Variant Classification Sherloc (09022015). Collection method: clinical testing. Allele origin: germline.
Comment: This sequence change replaces alanine, which is neutral and non-polar, with aspartic acid, which is acidic and polar, at codon 1246 of the APC protein (p.Ala1246Asp). This variant is not present in population databases (gnomAD no frequency). This variant has not been reported in the literature in individuals affected with APC-related conditions. Invitae Evidence Modeling of protein sequence and biophysical properties (such as structural, functional, and spatial information, amino acid conservation, physicochemical variation, residue mobility, and thermodynamic stability) indicates that this missense variant is not expected to disrupt APC protein function with a negative predictive value of 95%. In summary, the available evidence is currently insufficient to determine the role of this variant in disease. Therefore, it has been classified as a Variant of Uncertain Significance.